The following is an entry in ClinVar:

NM_001009944.3(PKD1):c.10618+2T>C

Genes: PKD1 (polycystin 1, transient receptor potential channel interacting; minus strand), PKD1-AS1 (PKD1 antisense RNA 1; plus strand). Cytogenetic location: 16p13.3.
Variant type: single nucleotide variant.
Coding change: c.10618+2T>C on transcript NM_001009944.3 (MANE Select); the canonical splice donor site of the intron after coding-DNA position 10618, T replaced by C.
Molecular consequence: splice donor variant.
Genome position (GRCh38, 1-based): chr16:2,094,090, A>G on the plus strand (T>C on the coding strand, the complement: PKD1 is on the minus strand). VCF-style: chr16-2094090-A-G. GRCh37 (hg19) VCF-style: chr16-2144091-A-G.
Other names: c.10615+2T>C (NM_000296.4).
Identifiers: ClinVar variation 3255032 (VCV003255032.1), dbSNP rs1555447153.

ClinVar aggregate classification (germline): Pathogenic (1 of 4 stars; one submission).

Conditions:
Polycystic kidney disease, adult type (PKD1). Also called: Polycystic Kidney Disease 1, Autosomal Dominant; Polycystic kidney disease 1; Polycystic kidney disease 1, severe; POLYCYSTIC KIDNEY DISEASE, ADULT, TYPE I; Polycystic Kidney, Autosomal Dominant; POLYCYSTIC KIDNEY DISEASE 1 WITH OR WITHOUT POLYCYSTIC LIVER DISEASE. Identifiers: MedGen C3149841, MONDO:0008263, OMIM 173900.

Submission:

Victorian Clinical Genetics Services, Murdoch Childrens Research Institute
Classification: Pathogenic for Polycystic kidney disease, adult type. Last evaluated: 2023-12-21. Review status: criteria provided, single submitter. Criteria: ACMG Guidelines, 2015. Collection method: clinical testing. Allele origin: germline. Inheritance: Autosomal dominant inheritance. Affected: yes.
Comment: Based on the classification scheme VCGS_Germline_v1.3.4, this variant is classified as Pathogenic. Following criteria are met: 0102 - Loss of function is a known mechanism of disease in this gene and is associated with polycystic kidney disease 1 (MIM#173900). (I) 0107 - This gene is associated with autosomal dominant disease. Polycystic kidney disease 1 (MIM#173900) is predominantly caused by monoallelic variants, with rare reports of biallelic variants causing disease (OMIM). (I) 0211 - Canonical splice site variant without proven consequence on splicing (no functional evidence available). (SP) 0251 - This variant is heterozygous. (I) 0301 - Variant is absent from gnomAD (both v2 and v3). (SP) 0505 - Abnormal splicing is predicted by in silico tools and affected nucleotide is highly conserved. (SP) 0703 - Other canonical splice variants comparable to the one identified in this case have moderate previous evidence for pathogenicity. The variant c.10618+2T>G has been reported as pathogenic by a clinical laboratory in ClinVar. Additionally, c.10618+1delG was reported in an individual with autosomal dominant polycystic kidney disease (ADPKD; PMID: 26632257). (SP) 0803 - This variant has limited previous evidence of pathogenicity in an unrelated individual. This variant has been reported in an individual with ADPKD (PMID: 22508176). (SP) 0905 - No published segregation evidence has been identified for this variant. (I) 1007 - No published functional evidence has been identified for this variant. (I) 1208 - Inheritance information for this variant is not currently available in this individual. (I) Legend: (SP) - Supporting pathogenic, (I) - Information, (SB) - Supporting benign

Literature cited by the submitters: PubMed 22508176; PubMed 26632257.